The following is an entry in ClinVar:

ClinVar aggregate classification (germline): Uncertain significance. Review status: criteria provided, multiple submitters, no conflicts (2 of 4 stars). 2 submissions from 2 submitters: Uncertain significance (2). Last evaluated 2023-05-04.

Conditions:
Malignant hyperthermia, susceptibility to, 1 (MHS1). Also called: Anesthesia related hyperthermia; Malignant hyperpyrexia; Fulminating hyperpyrexia; Pharmacogenic myopathy; RYR1-Related Malignant Hyperthermia Susceptibility; Malignant hyperthermia suceptibility 1. Identifiers: Orphanet 423, MedGen C2930980, MONDO:0007783, OMIM 145600.

Allele frequency attached by ClinVar (database versions not stated): gnomAD exomes below 0.00001.
gnomAD v4.1: 1 of 1,614,172 alleles (0.000062%); highest among the groups gnomAD compares: Non-Finnish European, 0.000085%; no homozygotes.

Submissions (2):

All of Us Research Program, National Institutes of Health
Classification: Uncertain significance for Malignant hyperthermia, susceptibility to, 1. Last evaluated: 2023-05-04. Review status: criteria provided, single submitter. Criteria: ACMG Guidelines, 2015. Collection method: clinical testing. Allele origin: germline. Inheritance: Autosomal dominant inheritance. Observed: 1 variant allele, 1 heterozygote.
Comment: This missense variant replaces leucine with phenylalanine at codon 3819 of the RYR1 protein. Computational prediction suggests that this variant may have deleterious impact on protein structure and function (internally defined REVEL score threshold >= 0.7, PMID: 27666373). To our knowledge, functional studies have not been reported for this variant. This variant has not been reported in individuals affected with RYR1-related disorders in the literature. This variant has not been identified in the general population by the Genome Aggregation Database (gnomAD). The available evidence is insufficient to determine the role of this variant in disease conclusively. Therefore, this variant is classified as a Variant of Uncertain Significance.

This study involves interpretation of variants in research participants for the purpose of population health screening. Participant phenotype was not available at the time of variant classification. Additional details can be found in publication PMID: 35346344, PMCID: PMC8962531

GeneDx
Classification: Uncertain significance. Last evaluated: 2022-03-11. Review status: criteria provided, single submitter. Criteria: GeneDx Variant Classification Process June 2021. Collection method: clinical testing. Allele origin: germline. Affected: yes.
Comment: Not observed at significant frequency in large population cohorts (gnomAD); In silico analysis supports that this missense variant has a deleterious effect on protein structure/function; Has not been previously published as pathogenic or benign to our knowledge

NM_000540.3(RYR1):c.11455C>T (p.Leu3819Phe)

Gene: RYR1 (ryanodine receptor 1; plus strand). Cytogenetic location: 19q13.2.
Variant type: single nucleotide variant.
Coding change: c.11455C>T on transcript NM_000540.3 (MANE Select); coding-DNA position 11455, C replaced by T.
Protein change: p.Leu3819Phe; replaces leucine 3819 with phenylalanine.
Molecular consequence: missense variant.
Genome position (GRCh38, 1-based): chr19:38,535,331, C>T. VCF-style: chr19-38535331-C-T. GRCh37 (hg19) VCF-style: chr19-39025971-C-T.
Other names: c.11440C>T, p.Leu3814Phe (NM_001042723.2); short protein forms L3814F, L3819F.
Identifiers: ClinVar variation 1704765 (VCV001704765.3), dbSNP rs2514531627, ClinGen allele CA405655753.